The following is an entry in ClinVar:

NM_006846.4(SPINK5):c.2901del (p.Glu968fs)

Gene: SPINK5 (serine peptidase inhibitor Kazal type 5; plus strand). Cytogenetic location: 5q32.
Variant type: Deletion.
Coding change: c.2901del on transcript NM_006846.4 (MANE Select); coding-DNA position 2901, one base deleted (A; older notation c.2901delA).
Protein change: p.Glu968fs; shifts the reading frame from glutamic acid 968.
Molecular consequence: frameshift variant.
Genome position (GRCh38, 1-based): chr5:148,127,016, A deleted; the last of 2 consecutive A bases (chr5:148,127,015-148,127,016); deleting either gives the same sequence. VCF-style (leftmost placement, unchanged base first): chr5-148127014-CA-C. GRCh37 (hg19) VCF-style: chr5-147506577-CA-C.
Other names: c.2991del, p.Glu998fs (NM_001127698.2); c.2901delA (NM_006846.3); short protein forms E968fs, E998fs.
Identifiers: ClinVar variation 817255 (VCV000817255.2), dbSNP rs1581109809, ClinGen allele CA915942646.

ClinVar aggregate classification (germline): Pathogenic (1 of 4 stars; one submission).

Submission:

GeneDx
Classification: Pathogenic. Last evaluated: 2019-11-13. Review status: criteria provided, single submitter. Criteria: GeneDx Variant Classification Process June 2021. Collection method: clinical testing. Allele origin: germline. Affected: yes.
Comment: Frameshift variant predicted to result in protein truncation or nonsense mediated decay in a gene for which loss-of-function is a known mechanism of disease; Not observed in large population cohorts (Lek et al., 2016); Has not been previously published as pathogenic or benign to our knowledge